The following is an entry in ClinVar:

ClinVar aggregate classification (germline): Conflicting classifications of pathogenicity. Review status: criteria provided, conflicting classifications (1 of 4 stars). 3 submissions from 3 submitters: Uncertain significance (1); Benign (1); Likely benign (1). Last evaluated 2023-11-27.

Conditions:
Inborn genetic diseases. Identifiers: MedGen C0950123, MeSH D030342.
Intellectual developmental disorder, autosomal dominant 6, with or without seizures. Also called: GRIN2B-related developmental delay, intellectual disability and autism spectrum disorder; Intellectual disability, autosomal dominant 6. Identifiers: Orphanet 589547, MedGen C3151411, MONDO:0013509, OMIM 613970.
Developmental and epileptic encephalopathy, 27 (DEE27). Also called: Epileptic encephalopathy, early infantile, 27; GRIN2B-Related Neurodevelopmental Disorder. Identifiers: Orphanet 3451, MedGen C4015316, MONDO:0014505, OMIM 616139.

Allele frequency attached by ClinVar (database versions not stated): TOPMed 0.00001.
gnomAD v4.1: 9 of 1,613,566 alleles (0.00056%); highest among the groups gnomAD compares: Non-Finnish European, 0.00076%; no homozygotes.

Submissions (3):

Labcorp Genetics (formerly Invitae), Labcorp
Classification: Benign for Developmental and epileptic encephalopathy, 27; Intellectual developmental disorder, autosomal dominant 6, with or without seizures. Last evaluated: 2023-11-27. Review status: criteria provided, single submitter. Criteria: Invitae Variant Classification Sherloc (09022015). Collection method: clinical testing. Allele origin: germline.

Ambry Genetics
Classification: Uncertain significance for Inborn genetic diseases. Last evaluated: 2023-08-22. Review status: criteria provided, single submitter. Criteria: Ambry Variant Classification Scheme 2023. Collection method: clinical testing. Allele origin: germline.

GeneDx
Classification: Likely benign. Last evaluated: 2016-12-13. Review status: criteria provided, single submitter. Criteria: GeneDx Variant Classification (06012015). Collection method: clinical testing. Allele origin: germline. Affected: yes.
Comment: This variant is considered likely benign or benign based on one or more of the following criteria: it is a conservative change, it occurs at a poorly conserved position in the protein, it is predicted to be benign by multiple in silico algorithms, and/or has population frequency not consistent with disease.

NM_000834.5(GRIN2B):c.80G>T (p.Arg27Leu)

Gene: GRIN2B (glutamate ionotropic receptor NMDA type subunit 2B; minus strand). Cytogenetic location: 12p13.1.
Variant type: single nucleotide variant.
Coding change: c.80G>T on transcript NM_000834.5 (MANE Select); coding-DNA position 80, G replaced by T.
Protein change: p.Arg27Leu; replaces arginine 27 with leucine.
Molecular consequence: missense variant.
Genome position (GRCh38, 1-based): chr12:13,866,129, C>A on the plus strand (G>T on the coding strand, the complement: GRIN2B is on the minus strand). VCF-style: chr12-13866129-C-A. GRCh37 (hg19) VCF-style: chr12-14019063-C-A.
Other names: short protein forms R27L.
Identifiers: ClinVar variation 391307 (VCV000391307.12), dbSNP rs200727145, ClinGen allele CA6461465.